The following is an entry in ClinVar:

NM_000942.5(PPIB):c.121A>G (p.Lys41Glu)

Gene: PPIB (peptidylprolyl isomerase B; minus strand). Cytogenetic location: 15q22.31.
Variant type: single nucleotide variant.
Coding change: c.121A>G on transcript NM_000942.5 (MANE Select); coding-DNA position 121, A replaced by G.
Protein change: p.Lys41Glu; replaces lysine 41 with glutamic acid.
Molecular consequence: missense variant.
Genome position (GRCh38, 1-based): chr15:64,162,866, T>C on the plus strand (A>G on the coding strand, the complement: PPIB is on the minus strand). VCF-style: chr15-64162866-T-C. GRCh37 (hg19) VCF-style: chr15-64455065-T-C.
Other names: short protein forms K41E.
Identifiers: ClinVar variation 2077837 (VCV002077837.4), dbSNP rs771164709, ClinGen allele CA7608615.
Genomic context (GRCh38, chr15:64,162,866, plus strand): 5'-CCGGGCCCGAGCTCCGGCACCGTAAATGCCGCGGACTCCACCGGACCTTGACGGTGACTT[T>C]GGGCCCCTTCTTCTTCTCATCGGCCGCAGAAGGTCCCGGCAGCAGCAGGAAGAAGACGGA-3'
Protein context (NP_000933.1, residues 31-51): SAADEKKKGP[Lys41Glu]VTVKVYFDLR

ClinVar aggregate classification (germline): Uncertain significance (1 of 4 stars; one submission).

Allele frequency attached by ClinVar (database versions not stated): gnomAD 0.00001.
gnomAD v4.1: 1 of 1,611,604 alleles (0.000062%); highest among the groups gnomAD compares: Non-Finnish European, 0.000085%; no homozygotes.

Submission:

Labcorp Genetics (formerly Invitae), Labcorp
Classification: Uncertain significance. Last evaluated: 2023-08-10. Review status: criteria provided, single submitter. Criteria: Invitae Variant Classification Sherloc (09022015). Collection method: clinical testing. Allele origin: germline.
Comment: In summary, the available evidence is currently insufficient to determine the role of this variant in disease. Therefore, it has been classified as a Variant of Uncertain Significance. An algorithm developed to predict the effect of missense changes on protein structure and function (PolyPhen-2) suggests that this variant is likely to be disruptive. ClinVar contains an entry for this variant (Variation ID: 2077837). This variant has not been reported in the literature in individuals affected with PPIB-related conditions. This variant is not present in population databases (gnomAD no frequency). This sequence change replaces lysine, which is basic and polar, with glutamic acid, which is acidic and polar, at codon 41 of the PPIB protein (p.Lys41Glu).